The following is an entry in ClinVar:

ClinVar aggregate classification (germline): Uncertain significance. Review status: criteria provided, multiple submitters, no conflicts (2 of 4 stars). 2 submissions from 2 submitters: Uncertain significance (2). Last evaluated 2025-03-31.

Conditions:
Gorlin syndrome. Also called: Nevoid Basal Cell Carcinoma Syndrome; Basal cell nevus syndrome. Identifiers: Orphanet 377, MedGen C0004779, MONDO:0007187.
Hereditary cancer-predisposing syndrome. Also called: Neoplastic Syndromes, Hereditary; Hereditary neoplastic syndrome; Hereditary Cancer Syndrome; Tumor predisposition. Identifiers: Orphanet 140162, MedGen C0027672, MeSH D009386, MONDO:0015356.

Allele frequency attached by ClinVar (database versions not stated): ExAC 0.00001; gnomAD exomes 0.00001.
gnomAD v4.1: 2 of 1,609,692 alleles (0.00012%); highest among the groups gnomAD compares: Admixed American, 0.0034%; no homozygotes.

Submissions (2):

Labcorp Genetics (formerly Invitae), Labcorp
Classification: Uncertain significance for Gorlin syndrome. Last evaluated: 2025-03-31. Review status: criteria provided, single submitter. Criteria: Invitae Variant Classification Sherloc (09022015). Collection method: clinical testing. Allele origin: germline.
Comment: This sequence change replaces lysine, which is basic and polar, with threonine, which is neutral and polar, at codon 315 of the PTCH1 protein (p.Lys315Thr). This variant is present in population databases (rs746517321, gnomAD 0.006%). This variant has not been reported in the literature in individuals affected with PTCH1-related conditions. ClinVar contains an entry for this variant (Variation ID: 658602). Invitae Evidence Modeling of protein sequence and biophysical properties (such as structural, functional, and spatial information, amino acid conservation, physicochemical variation, residue mobility, and thermodynamic stability) indicates that this missense variant is not expected to disrupt PTCH1 protein function with a negative predictive value of 95%. In summary, the available evidence is currently insufficient to determine the role of this variant in disease. Therefore, it has been classified as a Variant of Uncertain Significance.

Ambry Genetics
Classification: Uncertain significance for Hereditary cancer-predisposing syndrome. Last evaluated: 2024-05-04. Review status: criteria provided, single submitter. Criteria: Ambry Variant Classification Scheme 2023. Collection method: clinical testing. Allele origin: germline.
Comment: The p.K315T variant (also known as c.944A>C), located in coding exon 6 of the PTCH1 gene, results from an A to C substitution at nucleotide position 944. The lysine at codon 315 is replaced by threonine, an amino acid with similar properties. This amino acid position is conserved. In addition, the in silico prediction for this alteration is inconclusive. Based on the available evidence, the clinical significance of this variant remains unclear.

NM_000264.5(PTCH1):c.944A>C (p.Lys315Thr)

Gene: PTCH1 (patched 1; minus strand). Cytogenetic location: 9q22.32.
Variant type: single nucleotide variant.
Coding change: c.944A>C on transcript NM_000264.5 (MANE Select); coding-DNA position 944, A replaced by C.
Protein change: p.Lys315Thr; replaces lysine 315 with threonine.
Molecular consequence: missense variant. On other transcripts: non-coding transcript variant (1).
Genome position (GRCh38, 1-based): chr9:95,480,391, T>G on the plus strand (A>C on the coding strand, the complement: PTCH1 is on the minus strand). VCF-style: chr9-95480391-T-G. GRCh37 (hg19) VCF-style: chr9-98242673-T-G.
Other names: c.746A>C, p.Lys249Thr (NM_001083602.3); c.941A>C, p.Lys314Thr (NM_001083603.3); c.491A>C, p.Lys164Thr (NM_001083604.3, NM_001083605.3, NM_001083606.3 and 1 more transcripts); c.944A>C, p.Lys315Thr (NM_001354918.2); c.944A>C (NM_000264.3); short protein forms K164T, K249T, K314T, K315T.
Identifiers: ClinVar variation 658602 (VCV000658602.11), dbSNP rs746517321, ClinGen allele CA5138813.